The following is an entry in ClinVar:

NM_005908.4(MANBA):c.1894A>C (p.Thr632Pro)

Gene: MANBA (mannosidase beta; minus strand). Cytogenetic location: 4q24.
Variant type: single nucleotide variant.
Coding change: c.1894A>C on transcript NM_005908.4 (MANE Select); coding-DNA position 1894, A replaced by C.
Protein change: p.Thr632Pro; replaces threonine 632 with proline.
Molecular consequence: missense variant.
Genome position (GRCh38, 1-based): chr4:102,639,833, T>G on the plus strand (A>C on the coding strand, the complement: MANBA is on the minus strand). VCF-style: chr4-102639833-T-G. GRCh37 (hg19) VCF-style: chr4-103560990-T-G.
Other names: short protein forms T632P.
Identifiers: ClinVar variation 1714315 (VCV001714315.5), dbSNP rs2476736635, ClinGen allele CA357757698.

ClinVar aggregate classification (germline): Uncertain significance (1 of 4 stars; one submission).

Conditions:
Beta-D-mannosidosis (MANSB). Also called: MANNOSIDOSIS, BETA A, LYSOSOMAL; BETA-MANNOSIDASE DEFICIENCY; LYSOSOMAL BETA-MANNOSIDASE DEFICIENCY; Beta-Mannosidosis. Identifiers: Orphanet 118, MedGen C4048196, MONDO:0009562, OMIM 248510.

Submission:

Labcorp Genetics (formerly Invitae), Labcorp
Classification: Uncertain significance for Beta-D-mannosidosis. Last evaluated: 2022-07-30. Review status: criteria provided, single submitter. Criteria: Invitae Variant Classification Sherloc (09022015). Collection method: clinical testing. Allele origin: germline.
Comment: This sequence change replaces threonine, which is neutral and polar, with proline, which is neutral and non-polar, at codon 632 of the MANBA protein (p.Thr632Pro). This variant is not present in population databases (gnomAD no frequency). This variant has not been reported in the literature in individuals affected with MANBA-related conditions. Algorithms developed to predict the effect of missense changes on protein structure and function are either unavailable or do not agree on the potential impact of this missense change (SIFT: "Tolerated"; PolyPhen-2: "Possibly Damaging"; Align-GVGD: "Class C0"). In summary, the available evidence is currently insufficient to determine the role of this variant in disease. Therefore, it has been classified as a Variant of Uncertain Significance.